The following is an entry in ClinVar:

NM_002645.4(PIK3C2A):c.2657+5G>C

Gene: PIK3C2A (phosphatidylinositol-4-phosphate 3-kinase catalytic subunit type 2 alpha; minus strand). Cytogenetic location: 11p15.1.
Variant type: single nucleotide variant.
Coding change: c.2657+5G>C on transcript NM_002645.4 (MANE Select); 5 bases into the intron after coding-DNA position 2657, G replaced by C.
Molecular consequence: intron variant.
Genome position (GRCh38, 1-based): chr11:17,122,183, C>G on the plus strand (G>C on the coding strand, the complement: PIK3C2A is on the minus strand). VCF-style: chr11-17122183-C-G. GRCh37 (hg19) VCF-style: chr11-17143730-C-G.
Other names: c.1517+5G>C (NM_001321380.2); c.2489+5G>C (NM_001386870.1); c.2657+5G>C (NM_001321378.2).
Identifiers: ClinVar variation 1926448 (VCV001926448.5), dbSNP rs2494070316, ClinGen allele CA2580082728.

ClinVar aggregate classification (germline): Uncertain significance (1 of 4 stars; one submission).

Allele frequency attached by ClinVar (database versions not stated): gnomAD exomes below 0.00001.
gnomAD v4.1: 1 of 1,573,724 alleles (0.000064%); no homozygotes.

Submission:

Labcorp Genetics (formerly Invitae), Labcorp
Classification: Uncertain significance. Last evaluated: 2022-03-26. Review status: criteria provided, single submitter. Criteria: Invitae Variant Classification Sherloc (09022015). Collection method: clinical testing. Allele origin: germline.
Comment: This sequence change falls in intron 15 of the PIK3C2A gene. It does not directly change the encoded amino acid sequence of the PIK3C2A protein. It affects a nucleotide within the consensus splice site. This variant is not present in population databases (gnomAD no frequency). In summary, the available evidence is currently insufficient to determine the role of this variant in disease. Therefore, it has been classified as a Variant of Uncertain Significance. Variants that disrupt the consensus splice site are a relatively common cause of aberrant splicing (PMID: 17576681, 9536098). Algorithms developed to predict the effect of sequence changes on RNA splicing suggest that this variant may disrupt the consensus splice site. This variant has not been reported in the literature in individuals affected with PIK3C2A-related conditions.

Literature cited by the submitters: PubMed 17576681; PubMed 9536098.